The following is an entry in ClinVar:

ClinVar aggregate classification (germline): Uncertain significance. Review status: criteria provided, multiple submitters, no conflicts (2 of 4 stars). 3 submissions from 3 submitters: Uncertain significance (3). Last evaluated 2026-05-03.

Conditions:
TUB-related disorder. Also called: TUB-related condition.

Allele frequency attached by ClinVar (database versions not stated): TOPMed 0.00001; gnomAD exomes below 0.00001.
gnomAD v4.1: 1 of 1,614,182 alleles (0.000062%); highest among the groups gnomAD compares: Admixed American, 0.0017%; no homozygotes.

Submissions (3):

PreventionGenetics, part of Exact Sciences
Classification: Uncertain significance for TUB-related condition. Last evaluated: 2026-05-03. Review status: criteria provided, single submitter. Criteria: ACMG Guidelines, 2015. Collection method: clinical testing. Allele origin: germline.
Comment: The TUB c.450G>T variant is predicted to result in the amino acid substitution p.Gln150His. To our knowledge, this variant has not been reported in the literature. This variant is reported in one allele out of 251,346 alleles in the gnomAD database. At this time, the clinical significance of this variant is uncertain due to the absence of conclusive functional and genetic evidence.

Ambry Genetics
Classification: Uncertain significance. Last evaluated: 2025-08-20. Review status: criteria provided, single submitter. Criteria: Ambry Variant Classification Scheme 2023. Collection method: clinical testing. Allele origin: germline.

Labcorp Genetics (formerly Invitae), Labcorp
Classification: Uncertain significance. Last evaluated: 2022-10-24. Review status: criteria provided, single submitter. Criteria: Invitae Variant Classification Sherloc (09022015). Collection method: clinical testing. Allele origin: germline.
Comment: In summary, the available evidence is currently insufficient to determine the role of this variant in disease. Therefore, it has been classified as a Variant of Uncertain Significance. Algorithms developed to predict the effect of missense changes on protein structure and function (SIFT, PolyPhen-2, Align-GVGD) all suggest that this variant is likely to be tolerated. This variant has not been reported in the literature in individuals affected with TUB-related conditions. This variant is present in population databases (no rsID available, gnomAD 0.003%). This sequence change replaces glutamine, which is neutral and polar, with histidine, which is basic and polar, at codon 150 of the TUB protein (p.Gln150His).

NM_177972.3(TUB):c.285G>T (p.Gln95His)

Genes: RIC3 (RIC3 acetylcholine receptor chaperone; minus strand), TUB (TUB bipartite transcription factor; plus strand). Cytogenetic location: 11p15.4.
Variant type: single nucleotide variant.
Coding change: c.285G>T on transcript NM_177972.3 (MANE Select); coding-DNA position 285, G replaced by T.
Protein change: p.Gln95His; replaces glutamine 95 with histidine.
Molecular consequence: missense variant. On other transcripts: non-coding transcript variant (1).
Genome position (GRCh38, 1-based): chr11:8,094,077, G>T. VCF-style: chr11-8094077-G-T. GRCh37 (hg19) VCF-style: chr11-8115624-G-T.
Other names: c.450G>T, p.Gln150His (NM_003320.5); c.450G>T (NM_003320.4); short protein forms Q150H, Q95H.
Identifiers: ClinVar variation 2078818 (VCV002078818.8), dbSNP rs1469083085, ClinGen allele CA379564516.